The following is an entry in ClinVar:

ClinVar aggregate classification (germline): Uncertain significance (1 of 4 stars; one submission).

Conditions:
Cardiovascular phenotype. Identifiers: MedGen CN230736.
Hereditary cancer-predisposing syndrome. Also called: Tumor predisposition; Neoplastic Syndromes, Hereditary; Hereditary neoplastic syndrome; Hereditary Cancer Syndrome. Identifiers: Orphanet 140162, MedGen C0027672, MeSH D009386, MONDO:0015356.

Submission:

Ambry Genetics
Classification: Uncertain significance for Cardiovascular phenotype; Hereditary cancer-predisposing syndrome. Last evaluated: 2025-07-01. Review status: criteria provided, single submitter. Criteria: Ambry Variant Classification Scheme 2023. Collection method: clinical testing. Allele origin: germline.
Comment: The p.V73E variant (also known as c.218T>A), located in coding exon 2 of the LZTR1 gene, results from a T to A substitution at nucleotide position 218. The valine at codon 73 is replaced by glutamic acid, an amino acid with dissimilar properties. This amino acid position is conserved. In addition, this alteration is predicted to be deleterious by in silico analysis. Based on the available evidence, the clinical significance of this variant remains unclear.

NM_006767.4(LZTR1):c.218T>A (p.Val73Glu)

Gene: LZTR1 (leucine zipper like post translational regulator 1; plus strand). Cytogenetic location: 22q11.21.
Variant type: single nucleotide variant.
Coding change: c.218T>A on transcript NM_006767.4 (MANE Select); coding-DNA position 218, T replaced by A.
Protein change: p.Val73Glu; replaces valine 73 with glutamic acid.
Molecular consequence: missense variant.
Genome position (GRCh38, 1-based): chr22:20,983,044, T>A. VCF-style: chr22-20983044-T-A. GRCh37 (hg19) VCF-style: chr22-21337333-T-A.
Other names: short protein forms V73E.
Identifiers: ClinVar variation 4101818 (VCV004101818.1).